The following is an entry in ClinVar:

ClinVar aggregate classification (germline): Uncertain significance (1 of 4 stars; one submission).

gnomAD v4.1: 2 of 1,563,486 alleles (0.00013%); highest among the groups gnomAD compares: South Asian, 0.0024%; no homozygotes.

Submission:

Ambry Genetics
Classification: Uncertain significance. Last evaluated: 2025-10-28. Review status: criteria provided, single submitter. Criteria: Ambry Variant Classification Scheme 2023. Collection method: clinical testing. Allele origin: germline.
Comment: The p.H1763Q variant (also known as c.5289C>A), located in coding exon 22 of the WNK2 gene, results from a C to A substitution at nucleotide position 5289. The histidine at codon 1763 is replaced by glutamine, an amino acid with highly similar properties. This amino acid position is conserved. In addition, this alteration is predicted to be tolerated by in silico analysis. Based on the available evidence, the clinical significance of this variant remains unclear.

NM_006648.4(WNK2):c.5289C>A (p.His1763Gln)

Gene: WNK2 (WNK lysine deficient protein kinase 2; plus strand). Cytogenetic location: 9q22.31.
Variant type: single nucleotide variant.
Coding change: c.5289C>A on transcript NM_006648.4 (MANE Select); coding-DNA position 5289, C replaced by A.
Protein change: p.His1763Gln; replaces histidine 1763 with glutamine.
Molecular consequence: missense variant.
Genome position (GRCh38, 1-based): chr9:93,292,754, C>A. VCF-style: chr9-93292754-C-A. GRCh37 (hg19) VCF-style: chr9-96055036-C-A.
Other names: c.5400C>A, p.His1800Gln (NM_001282394.3); short protein forms H1763Q, H1800Q.
Identifiers: ClinVar variation 4605314 (VCV004605314.1).
Genomic context (GRCh38, chr9:93,292,754, plus strand): 5'-GACTGTGGGCCGTTTCTCGGTGGTCAGCACTCAGGACGAGTGGACCCTGGCCTCCCCCCA[C>A]AGCCTGAGATACTCTGCCCCACCCGACGTCTACCTGGACGAGGCCCCCTCCAGCCCCGAC-3'
Protein context (NP_006639.3, residues 1753-1773): TQDEWTLASP[His1763Gln]SLRYSAPPDV